The following is an entry in ClinVar:

NM_014362.4(HIBCH):c.945G>A (p.Met315Ile)

Gene: HIBCH (3-hydroxyisobutyryl-CoA hydrolase; minus strand). Cytogenetic location: 2q32.2.
Variant type: single nucleotide variant.
Coding change: c.945G>A on transcript NM_014362.4 (MANE Select); coding-DNA position 945, G replaced by A.
Protein change: p.Met315Ile; replaces methionine 315 with isoleucine.
Molecular consequence: missense variant.
Genome position (GRCh38, 1-based): chr2:190,213,022, C>T on the plus strand (G>A on the coding strand, the complement: HIBCH is on the minus strand). VCF-style: chr2-190213022-C-T. GRCh37 (hg19) VCF-style: chr2-191077748-C-T.
Other names: c.945G>A, p.Met315Ile (NM_198047.3); c.945G>A (NM_014362.3); short protein forms M315I.
Identifiers: ClinVar variation 2141226 (VCV002141226.5), dbSNP rs769039339, ClinGen allele CA2027425.
Genomic context (GRCh38, chr2:190,213,022, plus strand): 5'-AGCTTGACTTAGCCGATACTCCATAGTTAGTACTTCTTGCAAGGTCTTTGAAGACCCCTC[C>T]ATGAGTTGCCTTAGTGTGATCTTTAGAGATGTTGGAGACATTTTATTAATTACCTTTTGG-3'
Protein context (NP_055177.2, residues 305-325): TSLKITLRQL[Met315Ile]EGSSKTLQEV

ClinVar aggregate classification (germline): Uncertain significance. Review status: criteria provided, multiple submitters, no conflicts (2 of 4 stars). 2 submissions from 2 submitters: Uncertain significance (2). Last evaluated 2024-01-09.

Conditions:
Inborn genetic diseases. Identifiers: MedGen C0950123, MeSH D030342.
3-hydroxyisobutyryl-CoA hydrolase deficiency. Also called: HIBCH DEFICIENCY; METHACRYLIC ACID TOXICITY; METHACRYLIC ACIDURIA; VALINE METABOLIC DEFECT; Reduced circulating 3-hydroxyisobutyryl-CoA hydrolase activity; Deficiency of 3-hydroxyisobutyryl CoA hydrolase. Identifiers: Orphanet 88639, MedGen C0342738, MONDO:0009603, OMIM 250620, HP:6000215.

Allele frequency attached by ClinVar (database versions not stated): ExAC 0.00001; gnomAD exomes 0.00001; TOPMed 0.00001.
gnomAD v4.1: 13 of 1,609,758 alleles (0.00081%); highest among the groups gnomAD compares: Middle Eastern, 0.017%; no homozygotes.

Submissions (2):

Ambry Genetics
Classification: Uncertain significance for Inborn genetic diseases. Last evaluated: 2024-01-09. Review status: criteria provided, single submitter. Criteria: Ambry Variant Classification Scheme 2023. Collection method: clinical testing. Allele origin: germline.

Labcorp Genetics (formerly Invitae), Labcorp
Classification: Uncertain significance for 3-hydroxyisobutyryl-CoA hydrolase deficiency. Last evaluated: 2023-07-07. Review status: criteria provided, single submitter. Criteria: Invitae Variant Classification Sherloc (09022015). Collection method: clinical testing. Allele origin: germline.
Comment: This sequence change replaces methionine, which is neutral and non-polar, with isoleucine, which is neutral and non-polar, at codon 315 of the HIBCH protein (p.Met315Ile). This variant is present in population databases (rs769039339, gnomAD 0.003%). This variant has not been reported in the literature in individuals affected with HIBCH-related conditions. ClinVar contains an entry for this variant (Variation ID: 2141226). Advanced modeling of protein sequence and biophysical properties (such as structural, functional, and spatial information, amino acid conservation, physicochemical variation, residue mobility, and thermodynamic stability) performed at Invitae indicates that this missense variant is not expected to disrupt HIBCH protein function. In summary, the available evidence is currently insufficient to determine the role of this variant in disease. Therefore, it has been classified as a Variant of Uncertain Significance.